The following is an entry in ClinVar:

NM_024757.5(EHMT1):c.376A>T (p.Ile126Phe)

Gene: EHMT1 (euchromatic histone lysine methyltransferase 1; plus strand). Cytogenetic location: 9q34.3.
Variant type: single nucleotide variant.
Coding change: c.376A>T on transcript NM_024757.5 (MANE Select); coding-DNA position 376, A replaced by T.
Protein change: p.Ile126Phe; replaces isoleucine 126 with phenylalanine.
Molecular consequence: missense variant.
Genome position (GRCh38, 1-based): chr9:137,716,916, A>T. VCF-style: chr9-137716916-A-T. GRCh37 (hg19) VCF-style: chr9-140611368-A-T.
Other names: c.376A>T, p.Ile126Phe (NM_001145527.2, NM_001354263.2, NM_001354611.2); c.283A>T, p.Ile95Phe (NM_001354259.2, NM_001354612.2); short protein forms I126F, I95F.
Identifiers: ClinVar variation 4721858 (VCV004721858.1).

ClinVar aggregate classification (germline): Uncertain significance (1 of 4 stars; one submission).

Conditions:
Kleefstra syndrome 1 (KLEFS1). Identifiers: Orphanet 261494, MedGen C0795833, MONDO:0027407, OMIM 610253.

Submission:

Labcorp Genetics (formerly Invitae), Labcorp
Classification: Uncertain significance for Kleefstra syndrome 1. Last evaluated: 2025-06-22. Review status: criteria provided, single submitter. Criteria: Invitae Variant Classification Sherloc (09022015). Collection method: clinical testing. Allele origin: germline.
Comment: This sequence change replaces isoleucine, which is neutral and non-polar, with phenylalanine, which is neutral and non-polar, at codon 126 of the EHMT1 protein (p.Ile126Phe). This variant is not present in population databases (gnomAD no frequency). This variant has not been reported in the literature in individuals affected with EHMT1-related conditions. An algorithm developed to predict the effect of missense changes on protein structure and function outputs the following: PolyPhen-2: "Benign". The phenylalanine amino acid residue is found in multiple mammalian species, which suggests that this missense change does not adversely affect protein function. In summary, the available evidence is currently insufficient to determine the role of this variant in disease. Therefore, it has been classified as a Variant of Uncertain Significance.